The following is an entry in ClinVar:

NM_001458.5(FLNC):c.2230T>C (p.Trp744Arg)

Gene: FLNC (filamin C; plus strand). Cytogenetic location: 7q32.1.
Variant type: single nucleotide variant.
Coding change: c.2230T>C on transcript NM_001458.5 (MANE Select); coding-DNA position 2230, T replaced by C.
Protein change: p.Trp744Arg; replaces tryptophan 744 with arginine.
Molecular consequence: missense variant.
Genome position (GRCh38, 1-based): chr7:128,842,339, T>C. VCF-style: chr7-128842339-T-C. GRCh37 (hg19) VCF-style: chr7-128482393-T-C.
Other names: c.2230T>C, p.Trp744Arg (NM_001127487.2); short protein forms W744R.
Identifiers: ClinVar variation 2250032 (VCV002250032.4), dbSNP rs1808368612, ClinGen allele CA369229415.

ClinVar aggregate classification (germline): Uncertain significance. Review status: criteria provided, multiple submitters, no conflicts (2 of 4 stars). 2 submissions from 2 submitters: Uncertain significance (2). Last evaluated 2024-09-22.

Conditions:
Distal myopathy with posterior leg and anterior hand involvement. Also called: WILLIAMS DISTAL MYOPATHY. Identifiers: Orphanet 63273, MedGen C3279722, MONDO:0013550, OMIM 614065.
Myofibrillar myopathy 5. Also called: Filaminopathy (type); FILAMINOPATHY, AUTOSOMAL DOMINANT. Identifiers: Orphanet 171445, MedGen C1836050, MONDO:0012289, OMIM 609524.
Hypertrophic cardiomyopathy 26. Also called: Cardiomyopathy, familial hypertrophic, 26. Identifiers: Orphanet 75249, MedGen C4310749, MONDO:0014883, OMIM 617047.
Cardiovascular phenotype. Identifiers: MedGen CN230736.

Allele frequency attached by ClinVar (database versions not stated): gnomAD exomes 0.00002.

Submissions (2):

Labcorp Genetics (formerly Invitae), Labcorp
Classification: Uncertain significance for Distal myopathy with posterior leg and anterior hand involvement; Myofibrillar myopathy 5; Hypertrophic cardiomyopathy 26. Last evaluated: 2024-09-22. Review status: criteria provided, single submitter. Criteria: Invitae Variant Classification Sherloc (09022015). Collection method: clinical testing. Allele origin: germline.
Comment: This sequence change replaces tryptophan, which is neutral and slightly polar, with arginine, which is basic and polar, at codon 744 of the FLNC protein (p.Trp744Arg). This variant is not present in population databases (gnomAD no frequency). This variant has not been reported in the literature in individuals affected with FLNC-related conditions. ClinVar contains an entry for this variant (Variation ID: 2250032). Invitae Evidence Modeling of protein sequence and biophysical properties (such as structural, functional, and spatial information, amino acid conservation, physicochemical variation, residue mobility, and thermodynamic stability) has been performed for this missense variant. However, the output from this modeling did not meet the statistical confidence thresholds required to predict the impact of this variant on FLNC protein function. In summary, the available evidence is currently insufficient to determine the role of this variant in disease. Therefore, it has been classified as a Variant of Uncertain Significance.

Ambry Genetics
Classification: Uncertain significance for Cardiovascular phenotype. Last evaluated: 2021-09-16. Review status: criteria provided, single submitter. Criteria: Ambry Variant Classification Scheme 2023. Collection method: clinical testing. Allele origin: germline.